The following is an entry in ClinVar:

NM_000256.3(MYBPC3):c.1227-9C>A

Gene: MYBPC3 (myosin binding protein C3; minus strand). Cytogenetic location: 11p11.2.
Variant type: single nucleotide variant.
Coding change: c.1227-9C>A on transcript NM_000256.3 (MANE Select); 9 bases into the intron before coding-DNA position 1227, C replaced by A.
Molecular consequence: intron variant.
Genome position (GRCh38, 1-based): chr11:47,343,154, G>T on the plus strand (C>A on the coding strand, the complement: MYBPC3 is on the minus strand). VCF-style: chr11-47343154-G-T. GRCh37 (hg19) VCF-style: chr11-47364705-G-T.
Identifiers: ClinVar variation 921244 (VCV000921244.20), dbSNP rs11570079, ClinGen allele CA221697051.

ClinVar aggregate classification (germline): Conflicting classifications of pathogenicity. Review status: criteria provided, conflicting classifications (1 of 4 stars). 7 submissions from 7 submitters: Uncertain significance (4); Likely benign (3). Last evaluated 2025-08-26.

Conditions:
Hypertrophic cardiomyopathy 4. Also called: Familial hypertrophic cardiomyopathy 4. Identifiers: MedGen C1861862, MONDO:0007268, OMIM 115197.
Left ventricular noncompaction 10 (LVNC10). Identifiers: Orphanet 154, Orphanet 54260, MedGen C3715165, MONDO:0014163, OMIM 615396.
Hypertrophic cardiomyopathy. Also called: HYPERTROPHIC MYOCARDIOPATHY. Identifiers: Orphanet 217569, MedGen C0007194, MeSH D002312, MONDO:0005045, HP:0001639.
Cardiomyopathy (CMYO). Also called: Cardiomyopathies. Identifiers: Orphanet 167848, MedGen C0878544, MONDO:0004994, HP:0001638. Inheritance: Various modes of inheritance.

Allele frequency attached by ClinVar (database versions not stated): gnomAD exomes below 0.00001; TOPMed below 0.00001; gnomAD 0.00001.
gnomAD v4.1: 17 of 1,608,786 alleles (0.0011%); highest among the groups gnomAD compares: Admixed American, 0.0017%; no homozygotes.

Submissions (7):

Color Diagnostics, LLC DBA Color Health
Classification: Likely benign for Cardiomyopathy. Last evaluated: 2025-08-26. Review status: criteria provided, single submitter. Criteria: ACMG Guidelines, 2015. Collection method: clinical testing. Allele origin: germline.

Labcorp Genetics (formerly Invitae), Labcorp
Classification: Likely benign for Hypertrophic cardiomyopathy. Last evaluated: 2025-08-16. Review status: criteria provided, single submitter. Criteria: Invitae Variant Classification Sherloc (09022015). Collection method: clinical testing. Allele origin: germline.

Molecular Diagnostic Laboratory for Inherited Cardiovascular Disease, Montreal Heart Institute
Classification: Likely benign. Last evaluated: 2025-04-09. Review status: criteria provided, single submitter. Criteria: ACMG Guidelines, 2015. Collection method: clinical testing. Allele origin: germline. Affected: no.

All of Us Research Program, National Institutes of Health
Classification: Uncertain significance for Hypertrophic cardiomyopathy. Last evaluated: 2023-12-07. Review status: criteria provided, single submitter. Criteria: ACMG Guidelines, 2015. Collection method: clinical testing. Allele origin: germline. Inheritance: Autosomal dominant inheritance. Observed: 3 variant alleles, 3 heterozygotes.
Comment: This variant causes a C>A nucleotide substitution at the -9 position of intron 14 of the MYBPC3 gene. Splice site prediction tools are inconclusive regarding the impact of this variant on RNA splicing. To our knowledge, functional studies have not been reported for this variant. This variant has not been reported in individuals affected with MYBPC3-related disorders in the literature. This variant has been identified in 1/239646 chromosomes in the general population by the Genome Aggregation Database (gnomAD). The available evidence is insufficient to determine the role of this variant in disease conclusively. Therefore, this variant is classified as a Variant of Uncertain Significance.

This study involves interpretation of variants in research participants for the purpose of population health screening. Participant phenotype was not available at the time of variant classification. Additional details can be found in publication PMID: 35346344, PMCID: PMC8962531

AiLife Diagnostics
Classification: Uncertain significance. Last evaluated: 2022-01-27. Review status: criteria provided, single submitter. Criteria: ACMG Guidelines, 2015. Collection method: clinical testing. Allele origin: germline. Affected: yes. Observed: 2 variant alleles.

Fulgent Genetics
Classification: Uncertain significance for Hypertrophic cardiomyopathy 4; Left ventricular noncompaction 10. Last evaluated: 2021-10-09. Review status: criteria provided, single submitter. Criteria: ACMG Guidelines, 2015. Collection method: clinical testing. Allele origin: unknown.

Greenwood Genetic Center Diagnostic Laboratories, Greenwood Genetic Center
Classification: Uncertain significance. Last evaluated: 2020-10-20. Review status: criteria provided, single submitter. Criteria: ACMG Guidelines, 2015. Collection method: clinical testing. Allele origin: germline. Affected: yes.

Literature cited by the submitters: PubMed 28679633 (cited by AiLife Diagnostics).